The following is an entry in ClinVar:

NM_014391.3(ANKRD1):c.943C>T (p.Arg315Cys)

Gene: ANKRD1 (ankyrin repeat domain 1; minus strand). Cytogenetic location: 10q23.31.
Variant type: single nucleotide variant.
Coding change: c.943C>T on transcript NM_014391.3 (MANE Select); coding-DNA position 943, C replaced by T.
Protein change: p.Arg315Cys; replaces arginine 315 with cysteine.
Molecular consequence: missense variant.
Genome position (GRCh38, 1-based): chr10:90,912,883, G>A on the plus strand (C>T on the coding strand, the complement: ANKRD1 is on the minus strand). VCF-style: chr10-90912883-G-A. GRCh37 (hg19) VCF-style: chr10-92672640-G-A.
Other names: short protein forms R315C.
Identifiers: ClinVar variation 877286 (VCV000877286.11), dbSNP rs775584071, ClinGen allele CA5598564.

ClinVar aggregate classification (germline): Uncertain significance. Review status: criteria provided, multiple submitters, no conflicts (2 of 4 stars). 5 submissions from 5 submitters: Uncertain significance (5). Last evaluated 2025-11-18.

Conditions:
Primary dilated cardiomyopathy (DCM). Also called: Dilated Cardiomyopathy. Identifiers: Orphanet 217604, MedGen C0007193, MeSH D002311, MONDO:0005021, HP:0001644. Inheritance: Various modes of inheritance.
ANKRD1-related dilated cardiomyopathy. Identifiers: MedGen CN119551.
ANKRD1-related disorder. Also called: ANKRD1-related condition.
Cardiovascular phenotype. Identifiers: MedGen CN230736.

Allele frequency attached by ClinVar (database versions not stated): ExAC 0.00001; gnomAD 0.00001; TOPMed 0.00002.
gnomAD v4.1: 30 of 1,613,796 alleles (0.0019%); highest among the groups gnomAD compares: South Asian, 0.011%; 2 homozygotes.

Submissions (5):

PreventionGenetics, part of Exact Sciences
Classification: Uncertain significance for ANKRD1-related condition. Last evaluated: 2025-11-18. Review status: criteria provided, single submitter. Criteria: ACMG Guidelines, 2015. Collection method: clinical testing. Allele origin: germline.
Comment: The ANKRD1 c.943C>T variant is predicted to result in the amino acid substitution p.Arg315Cys. To our knowledge, this variant has not been reported in the literature. This variant is reported in 0.023% of alleles in individuals of European (Finnish) descent in gnomAD. At this time, the clinical significance of this variant is uncertain due to the absence of conclusive functional and genetic evidence.

Ambry Genetics
Classification: Uncertain significance for Cardiovascular phenotype. Last evaluated: 2024-06-03. Review status: criteria provided, single submitter. Criteria: Ambry Variant Classification Scheme 2023. Collection method: clinical testing. Allele origin: germline.
Comment: The p.R315C variant (also known as c.943C>T), located in coding exon 9 of the ANKRD1 gene, results from a C to T substitution at nucleotide position 943. The arginine at codon 315 is replaced by cysteine, an amino acid with highly dissimilar properties. This amino acid position is not well conserved in available vertebrate species. In addition, the in silico prediction for this alteration is inconclusive. Since supporting evidence is limited at this time, the clinical significance of this alteration remains unclear.

Labcorp Genetics (formerly Invitae), Labcorp
Classification: Uncertain significance for ANKRD1-related dilated cardiomyopathy. Last evaluated: 2024-05-27. Review status: criteria provided, single submitter. Criteria: Invitae Variant Classification Sherloc (09022015). Collection method: clinical testing. Allele origin: germline.
Comment: This sequence change replaces arginine, which is basic and polar, with cysteine, which is neutral and slightly polar, at codon 315 of the ANKRD1 protein (p.Arg315Cys). This variant is present in population databases (rs775584071, gnomAD 0.02%). This variant has not been reported in the literature in individuals affected with ANKRD1-related conditions. ClinVar contains an entry for this variant (Variation ID: 877286). An algorithm developed to predict the effect of missense changes on protein structure and function (PolyPhen-2) suggests that this variant is likely to be disruptive. In summary, the available evidence is currently insufficient to determine the role of this variant in disease. Therefore, it has been classified as a Variant of Uncertain Significance.

Clinical Genomics Laboratory, Stanford Medicine
Classification: Uncertain significance. Last evaluated: 2023-07-10. Review status: criteria provided, single submitter. Criteria: ACMG Guidelines, 2015. Collection method: clinical testing. Allele origin: germline. Observed: 1 variant allele, 1 heterozygote.
Comment: The p.Arg315Cys variant in the ANKRD1 gene has not been previously reported in association with disease. This variant has been identified in 1/30,616 South Asian chromosomes (6/250,850 chromosomes overall) by the Genome Aggregation Database. This variant is present in ClinVar (Variation ID: 877286). The arginine at position 315 is moderately evolutionarily conserved. Computational tools predict that the p.Arg315Cys variant is neither deleterious nor benign; however, the accuracy of in silico algorithms is limited. These data were assessed using the ACMG/AMP variant interpretation guidelines. In summary, the significance of the p.Arg315Cys variant is uncertain. Additional information is needed to resolve the significance of this variant. [ACMG evidence codes used: PM2

Illumina Laboratory Services, Illumina
Classification: Uncertain significance for Primary dilated cardiomyopathy. Last evaluated: 2017-09-06. Review status: criteria provided, single submitter. Criteria: ICSL Variant Classification Criteria 13 December 2019. Collection method: clinical testing. Allele origin: germline.